The following is an entry in ClinVar:

NM_004385.5(VCAN):c.7970A>G (p.Tyr2657Cys)

Genes: VCAN (versican; plus strand), VCAN-AS1 (VCAN antisense RNA 1; minus strand). Cytogenetic location: 5q14.3.
Variant type: single nucleotide variant.
Coding change: c.7970A>G on transcript NM_004385.5 (MANE Select); coding-DNA position 7970, A replaced by G.
Protein change: p.Tyr2657Cys; replaces tyrosine 2657 with cysteine.
Molecular consequence: missense variant. On other transcripts: intron variant (2).
Genome position (GRCh38, 1-based): chr5:83,540,973, A>G. VCF-style: chr5-83540973-A-G. GRCh37 (hg19) VCF-style: chr5-82836792-A-G.
Other names: c.5009A>G, p.Tyr1670Cys (NM_001164097.2); c.4004-4564A>G (NM_001164098.2); c.1043-4564A>G (NM_001126336.3); short protein forms Y2657C, Y1670C.
Identifiers: ClinVar variation 1402567 (VCV001402567.6), dbSNP rs1302773261, ClinGen allele CA360315911.
Genomic context (GRCh38, chr5:83,540,973, plus strand): 5'-AGGGCTCTGCTGATGTTCTGGCTAGCTACACTCAGGCAACACATGATGAATCAATGACTT[A>G]TGAAGATAGAAGCCAACTAGATCACATGGGCTTTCACTTCACAACTGGGATCCCTGCTCC-3'
Protein context (NP_004376.2, residues 2647-2667): TQATHDESMT[Tyr2657Cys]EDRSQLDHMG

ClinVar aggregate classification (germline): Uncertain significance (1 of 4 stars; one submission).

Allele frequency attached by ClinVar (database versions not stated): TOPMed below 0.00001.

Submission:

Labcorp Genetics (formerly Invitae), Labcorp
Classification: Uncertain significance. Last evaluated: 2025-01-13. Review status: criteria provided, single submitter. Criteria: Invitae Variant Classification Sherloc (09022015). Collection method: clinical testing. Allele origin: germline.
Comment: This sequence change replaces tyrosine, which is neutral and polar, with cysteine, which is neutral and slightly polar, at codon 2657 of the VCAN protein (p.Tyr2657Cys). This variant is not present in population databases (gnomAD no frequency). This variant has not been reported in the literature in individuals affected with VCAN-related conditions. ClinVar contains an entry for this variant (Variation ID: 1402567). An algorithm developed to predict the effect of missense changes on protein structure and function (PolyPhen-2) suggests that this variant is likely to be disruptive. In summary, the available evidence is currently insufficient to determine the role of this variant in disease. Therefore, it has been classified as a Variant of Uncertain Significance.